The following is an entry in ClinVar:

NM_019032.6(ADAMTSL4):c.292dup (p.Arg98fs)

Genes: ADAMTSL4 (ADAMTS like 4; plus strand), ADAMTSL4-AS2 (ADAMTSL4 antisense RNA 2; minus strand). Cytogenetic location: 1q21.2.
Variant type: Duplication.
Coding change: c.292dup on transcript NM_019032.6 (MANE Select); coding-DNA position 292, one base duplicated (C; older notation c.292dupC).
Protein change: p.Arg98fs; shifts the reading frame from arginine 98.
Molecular consequence: frameshift variant.
Genome position (GRCh38, 1-based): chr1:150,553,111, C duplicated; the last of 5 consecutive C bases (chr1:150,553,107-150,553,111); duplicating any one gives the same sequence. VCF-style (leftmost placement, unchanged base first): chr1-150553106-T-TC. GRCh37 (hg19) VCF-style: chr1-150525582-T-TC.
Other names: c.292dup, p.Arg98fs (NM_001288607.2, NM_001288608.2, NM_001378596.1 and 1 more transcripts); short protein forms R98fs.
Identifiers: ClinVar variation 2097564 (VCV002097564.4), dbSNP rs1176579720, ClinGen allele CA526260744.

ClinVar aggregate classification (germline): Pathogenic (1 of 4 stars; one submission).

Submission:

Labcorp Genetics (formerly Invitae), Labcorp
Classification: Pathogenic. Last evaluated: 2025-04-17. Review status: criteria provided, single submitter. Criteria: Invitae Variant Classification Sherloc (09022015). Collection method: clinical testing. Allele origin: germline.
Comment: This sequence change creates a premature translational stop signal (p.Arg98Profs*85) in the ADAMTSL4 gene. It is expected to result in an absent or disrupted protein product. Loss-of-function variants in ADAMTSL4 are known to be pathogenic (PMID: 20564469, 28642162). This variant is present in population databases (no rsID available, gnomAD 0.009%). This variant has not been reported in the literature in individuals affected with ADAMTSL4-related conditions. ClinVar contains an entry for this variant (Variation ID: 2097564). For these reasons, this variant has been classified as Pathogenic.

Literature cited by the submitters: PubMed 20564469; PubMed 28642162.